The following is an entry in ClinVar:

ClinVar aggregate classification (germline): Pathogenic/Likely pathogenic. Review status: criteria provided, multiple submitters, no conflicts (2 of 4 stars). 2 submissions from 2 submitters: Pathogenic (1); Likely pathogenic (1). Last evaluated 2024-04-09.

Conditions:
Hereditary cancer-predisposing syndrome. Also called: Neoplastic Syndromes, Hereditary; Tumor predisposition; Hereditary neoplastic syndrome; Hereditary Cancer Syndrome. Identifiers: Orphanet 140162, MedGen C0027672, MeSH D009386, MONDO:0015356.
Familial cancer of breast. Also called: BREAST CANCER, FAMILIAL; Hereditary breast cancer; hereditary breast carcinoma. Identifiers: Orphanet 227535, MedGen C0346153, MONDO:0016419, OMIM 114480. Disease mechanism: loss of function.

Submissions (2):

Ambry Genetics
Classification: Likely pathogenic for Hereditary cancer-predisposing syndrome. Last evaluated: 2024-04-09. Review status: criteria provided, single submitter. Criteria: Ambry Variant Classification Scheme 2023. Collection method: clinical testing. Allele origin: germline.
Comment: The c.3449_3455delTCCTCCC variant, located in coding exon 13 of the PALB2 gene, results from a deletion of 7 nucleotides at nucleotide positions 3449 to 3455, causing a translational frameshift with a predicted alternate stop codon (p.L1150Hfs*11). This alteration occurs at the 3' terminus of thePALB2 gene, is not expected to trigger nonsense-mediated mRNA decay, and only impacts the last 38 amino acids of the protein. However, premature stop codons are typically deleterious in nature and the impacted region is critical for protein function (Ambry internal data). This variant is considered to be rare based on population cohorts in the Genome Aggregation Database (gnomAD). Based on the majority of available evidence to date, this variant is likely to be pathogenic.

Myriad Genetics, Inc.
Classification: Pathogenic for Familial cancer of breast. Last evaluated: 2024-03-06. Review status: criteria provided, single submitter. Criteria: Myriad Autosomal Dominant, Autosomal Recessive and X-Linked Classification Criteria (2023). Collection method: clinical testing. Allele origin: unknown.
Comment: This variant is considered pathogenic. This variant creates a frameshift predicted to result in premature protein truncation.

NM_024675.4(PALB2):c.3449_3455del (p.Leu1150fs)

Gene: PALB2 (partner and localizer of BRCA2; minus strand). Cytogenetic location: 16p12.2.
Variant type: Deletion.
Coding change: c.3449_3455del on transcript NM_024675.4 (MANE Select); coding-DNA positions 3449 to 3455, 7 bases deleted (TCCTCCC; older notation c.3449_3455delTCCTCCC).
Protein change: p.Leu1150fs; shifts the reading frame from leucine 1150.
Molecular consequence: frameshift variant. On other transcripts: 3 prime UTR variant (5).
Genome position (GRCh38, 1-based): chr16:23,603,565-23,603,571, GGGAGGA deleted on the plus strand (TCCTCCC on the coding strand, the reverse complement: PALB2 is on the minus strand); deleting any 7 consecutive bases within chr16:23,603,565-23,603,574 gives the same sequence; the c. name uses the placement nearest the transcript's 3' end. VCF-style (leftmost placement, unchanged base first): chr16-23603564-TGGGAGGA-T. GRCh37 (hg19) VCF-style: chr16-23614885-TGGGAGGA-T.
Other names: c.3389_3395del, p.Leu1130fs (NM_001407296.1); c.3377_3383del, p.Leu1126fs (NM_001407297.1); c.3287_3293del, p.Leu1096fs (NM_001407298.1); c.3212_3218del, p.Leu1071fs (NM_001407299.1); c.3170_3176del, p.Leu1057fs (NM_001407300.1); c.*84_*90del (NM_001407301.1, NM_001407302.1, NM_001407310.1 and 2 more transcripts); c.2564_2570del, p.Leu855fs (NM_001407304.1, NM_001407305.1, NM_001407306.1); c.2402_2408del, p.Leu801fs (NM_001407307.1); and 4 more; short protein forms L1071fs, L1130fs, L776fs, L801fs, L855fs, L1057fs, L1126fs, L328fs.
Identifiers: ClinVar variation 3148721 (VCV003148721.2), dbSNP rs2506196512, ClinGen allele CA2825002424.